The following is an entry in ClinVar:

NM_212482.4(FN1):c.3951C>T (p.Asp1317=)

Gene: FN1 (fibronectin 1; minus strand). Cytogenetic location: 2q35.
Variant type: single nucleotide variant.
Coding change: c.3951C>T on transcript NM_212482.4 (MANE Select); coding-DNA position 3951, C replaced by T.
Protein change: p.Asp1317=; no amino-acid change (aspartic acid 1317 retained).
Molecular consequence: synonymous variant. On other transcripts: intron variant (10).
Genome position (GRCh38, 1-based): chr2:215,393,049, G>A on the plus strand (C>T on the coding strand, the complement: FN1 is on the minus strand). VCF-style: chr2-215393049-G-A. GRCh37 (hg19) VCF-style: chr2-216257772-G-A.
Other names: c.3951C>T, p.Asp1317= (NM_001306129.2, NM_001306130.2, NM_001365517.2 and 3 more transcripts); c.3797-1235C>T (NM_212474.3, NM_001306132.2, NM_001365523.2 and 7 more transcripts).
Identifiers: ClinVar variation 1702779 (VCV001702779.7), dbSNP rs763439987, ClinGen allele CA2094571.

ClinVar aggregate classification (germline): Conflicting classifications of pathogenicity. Review status: criteria provided, conflicting classifications (1 of 4 stars). 2 submissions from 2 submitters: Uncertain significance (1); Likely benign (1). Last evaluated 2025-10-02.

Allele frequency attached by ClinVar (database versions not stated): ExAC 0.00001; gnomAD 0.00001; gnomAD exomes 0.00001; TOPMed 0.00001.
gnomAD v4.1: 23 of 1,614,044 alleles (0.0014%); highest among the groups gnomAD compares: Middle Eastern, 0.017%; no homozygotes.

Submissions (2):

Labcorp Genetics (formerly Invitae), Labcorp
Classification: Likely benign. Last evaluated: 2025-10-02. Review status: criteria provided, single submitter. Criteria: Invitae Variant Classification Sherloc (09022015). Collection method: clinical testing. Allele origin: germline.

GeneDx
Classification: Uncertain significance. Last evaluated: 2022-02-21. Review status: criteria provided, single submitter. Criteria: GeneDx Variant Classification Process June 2021. Collection method: clinical testing. Allele origin: germline. Affected: yes.
Comment: In silico analysis supports that this variant does not alter splicing; Has not been previously published as pathogenic or benign to our knowledge